The following is an entry in ClinVar:

NM_138477.4(CDAN1):c.1368-5G>A

Gene: CDAN1 (codanin 1; minus strand). Cytogenetic location: 15q15.2.
Variant type: single nucleotide variant.
Coding change: c.1368-5G>A on transcript NM_138477.4 (MANE Select); 5 bases into the intron before coding-DNA position 1368, G replaced by A.
Molecular consequence: intron variant.
Genome position (GRCh38, 1-based): chr15:42,733,191, C>T on the plus strand (G>A on the coding strand, the complement: CDAN1 is on the minus strand). VCF-style: chr15-42733191-C-T. GRCh37 (hg19) VCF-style: chr15-43025389-C-T.
Other names: c.1368-5G>A (NM_138477.2).
Identifiers: ClinVar variation 2055157 (VCV002055157.6), dbSNP rs200770747, ClinGen allele CA7516076.

ClinVar aggregate classification (germline): Likely benign. Review status: criteria provided, single submitter (1 of 4 stars). 2 submissions from 2 submitters: Likely benign (1). 1 of the submissions does not count toward it. Last evaluated 2025-06-17.

Conditions:
CDAN1-related disorder. Also called: CDAN1-related condition.

Allele frequency attached by ClinVar (database versions not stated): gnomAD exomes 0.00002; ExAC 0.00004; gnomAD 0.00016; TOPMed 0.00017; 1000 Genomes Project 30x 0.00031; 1000 Genomes Project 0.00040.
gnomAD v4.1: 54 of 1,613,422 alleles (0.0033%); highest among the groups gnomAD compares: African/African-American, 0.053%; no homozygotes.

Submissions (2):

Labcorp Genetics (formerly Invitae), Labcorp
Classification: Likely benign. Last evaluated: 2025-06-17. Review status: criteria provided, single submitter. Criteria: Invitae Variant Classification Sherloc (09022015). Collection method: clinical testing. Allele origin: germline.

PreventionGenetics, part of Exact Sciences
Classification: Likely benign for CDAN1-related condition. Last evaluated: 2019-06-25. Review status: no assertion criteria provided. Collection method: clinical testing. Allele origin: germline. Not counted in ClinVar's aggregate classification.
Comment: This variant is classified as likely benign based on ACMG/AMP sequence variant interpretation guidelines (Richards et al. 2015 PMID: 25741868, with internal and published modifications).